The following is an entry in ClinVar:

NM_000051.4(ATM):c.7957A>G (p.Ile2653Val)

Genes: ATM (ATM serine/threonine kinase; plus strand), C11orf65 (chromosome 11 open reading frame 65; minus strand). Cytogenetic location: 11q22.3.
Variant type: single nucleotide variant.
Coding change: c.7957A>G on transcript NM_000051.4 (MANE Select); coding-DNA position 7957, A replaced by G.
Protein change: p.Ile2653Val; replaces isoleucine 2653 with valine.
Molecular consequence: missense variant. On other transcripts: intron variant (2).
Genome position (GRCh38, 1-based): chr11:108,333,915, A>G. VCF-style: chr11-108333915-A-G. GRCh37 (hg19) VCF-style: chr11-108204642-A-G.
Other names: c.7957A>G, p.Ile2653Val (NM_001351834.2); c.641-24844T>C (NM_001330368.2); c.*38+1305T>C (NM_001351110.2); short protein forms I2653V.
Identifiers: ClinVar variation 407719 (VCV000407719.27), dbSNP rs747448699, ClinGen allele CA6266229.

ClinVar aggregate classification (germline): Uncertain significance. Review status: criteria provided, multiple submitters, no conflicts (2 of 4 stars). 5 submissions from 5 submitters: Uncertain significance (4). 1 of the submissions does not count toward it. Last evaluated 2025-11-17.

Conditions:
Hereditary cancer-predisposing syndrome. Also called: Neoplastic Syndromes, Hereditary; Hereditary Cancer Syndrome; Tumor predisposition; Hereditary neoplastic syndrome. Identifiers: Orphanet 140162, MedGen C0027672, MeSH D009386, MONDO:0015356.
Familial cancer of breast. Also called: Hereditary breast cancer; BREAST CANCER, FAMILIAL; hereditary breast carcinoma. Identifiers: Orphanet 227535, MedGen C0346153, MONDO:0016419, OMIM 114480. Disease mechanism: loss of function.
Ataxia-telangiectasia syndrome (AT). Also called: LOUIS-BAR SYNDROME; Cerebello-oculocutaneous telangiectasia; Immunodeficiency with ataxia telangiectasia; Ataxia-telangiectasia, complementation group D; AT, COMPLEMENTATION GROUP C; Ataxia-telangiectasia, complementation group E. Identifiers: Orphanet 100, MedGen C0004135, MONDO:0008840, OMIM 208900.

Allele frequency attached by ClinVar (database versions not stated): ExAC 0.00002; gnomAD exomes 0.00001.
gnomAD v4.1: 3 of 1,611,346 alleles (0.00019%); highest among the groups gnomAD compares: Non-Finnish European, 0.00025%; no homozygotes.

Submissions (5):

Labcorp Genetics (formerly Invitae), Labcorp
Classification: Uncertain significance for Ataxia-telangiectasia syndrome. Last evaluated: 2025-11-17. Review status: criteria provided, single submitter. Criteria: Invitae Variant Classification Sherloc (09022015). Collection method: clinical testing. Allele origin: germline.
Comment: This sequence change replaces isoleucine, which is neutral and non-polar, with valine, which is neutral and non-polar, at codon 2653 of the ATM protein (p.Ile2653Val). This variant is present in population databases (rs747448699, gnomAD 0.002%). This variant has not been reported in the literature in individuals affected with ATM-related conditions. ClinVar contains an entry for this variant (Variation ID: 407719). Invitae Evidence Modeling of protein sequence and biophysical properties (such as structural, functional, and spatial information, amino acid conservation, physicochemical variation, residue mobility, and thermodynamic stability) indicates that this missense variant is not expected to disrupt ATM protein function with a negative predictive value of 95%. In summary, the available evidence is currently insufficient to determine the role of this variant in disease. Therefore, it has been classified as a Variant of Uncertain Significance.

Ambry Genetics
Classification: Uncertain significance for Hereditary cancer-predisposing syndrome. Last evaluated: 2025-11-06. Review status: criteria provided, single submitter. Criteria: Ambry Variant Classification Scheme 2023. Collection method: clinical testing. Allele origin: germline.
Comment: The p.I2653V variant (also known as c.7957A>G), located in coding exon 53 of the ATM gene, results from an A to G substitution at nucleotide position 7957. The isoleucine at codon 2653 is replaced by valine, an amino acid with highly similar properties. In an assay testing ATM function, this variant showed a functionally normal result (Lee KS et al. Cell, 2025 Sep;188:5081-5099.e27). This amino acid position is highly conserved in available vertebrate species. In addition, the in silico prediction for this alteration is inconclusive. Based on the available evidence, the clinical significance of this variant remains unclear.

Fulgent Genetics
Classification: Uncertain significance for Familial cancer of breast; Ataxia-telangiectasia syndrome. Last evaluated: 2024-01-30. Review status: criteria provided, single submitter. Criteria: ACMG Guidelines, 2015. Collection method: clinical testing. Allele origin: germline.

Color Diagnostics, LLC DBA Color Health
Classification: Uncertain significance for Hereditary cancer-predisposing syndrome. Last evaluated: 2020-11-10. Review status: criteria provided, single submitter. Criteria: ACMG Guidelines, 2015. Collection method: clinical testing. Allele origin: germline.
Comment: This missense variant replaces isoleucine with valine at codon 2653 of the ATM protein. Computational prediction suggests that this variant may not impact protein structure and function (internally defined REVEL score threshold <= 0.5, PMID: 27666373). To our knowledge, functional studies have not been reported for this variant. This variant has not been reported in individuals affected with hereditary cancer in the literature. This variant has been identified in 2/251282 chromosomes in the general population by the Genome Aggregation Database (gnomAD). The available evidence is insufficient to determine the role of this variant in disease conclusively. Therefore, this variant is classified as a Variant of Uncertain Significance.

Natera, Inc.
Classification: Uncertain significance for Ataxia-telangiectasia. Last evaluated: 2020-07-17. Review status: no assertion criteria provided. Collection method: clinical testing. Allele origin: germline. Not counted in ClinVar's aggregate classification.

Literature cited by the submitters: PubMed 29641532 (cited by Ambry Genetics); PubMed 40580951 (cited by Ambry Genetics).